The following is an entry in ClinVar:

ClinVar aggregate classification (germline): Benign/Likely benign. Review status: criteria provided, multiple submitters, no conflicts (2 of 4 stars). 7 submissions from 6 submitters: Benign (2); Likely benign (4). 1 of the submissions does not count toward it. Last evaluated 2025-12-14.

Conditions:
TUBB4A-related disorder. Also called: TUBB4A-related condition.
Torsion dystonia 4. Also called: DYT-TUBB4A (Autosomal Dominant Torsion Dystonia); DYSTONIA MUSCULORUM DEFORMANS 4. Identifiers: Orphanet 98805, MedGen C1851943, MONDO:0007493, OMIM 128101.
Leukodystrophy, hypomyelinating, 6. Also called: Hypomyelination with Atrophy of Basal Ganglia and Cerebellum (H-ABC); LEUKODYSTROPHY, HYPOMYELINATING, WITH ATROPHY OF THE BASAL GANGLIA AND CEREBELLUM; TUBB4A-Associated Leukodystrophy. Identifiers: Orphanet 139441, MedGen C2676244, MONDO:0012905, OMIM 612438.

Allele frequency attached by ClinVar (database versions not stated): gnomAD exomes 0.00021 and 0.00029; TOPMed 0.00022; gnomAD 0.00025 and 0.00026; ExAC 0.00026; 1000 Genomes Project 30x 0.00031; ESP Exome Variant Server 0.00031; 1000 Genomes Project 0.00040.
gnomAD v4.1: 454 of 1,614,016 alleles (0.028%); highest among the groups gnomAD compares: Non-Finnish European, 0.035%; no homozygotes.

Submissions (7):

Labcorp Genetics (formerly Invitae), Labcorp
Classification: Likely benign for Leukodystrophy, hypomyelinating, 6. Last evaluated: 2025-12-14. Review status: criteria provided, single submitter. Criteria: Invitae Variant Classification Sherloc (09022015). Collection method: clinical testing. Allele origin: germline.

CeGaT Center for Human Genetics Tuebingen
Classification: Likely benign. Last evaluated: 2025-08-01. Review status: criteria provided, single submitter. Criteria: CeGaT Center For Human Genetics Tuebingen Variant Classification Criteria Version 2. Collection method: clinical testing. Allele origin: germline. Affected: yes. Observed: 2 variant alleles.
Comment: TUBB4A: BP4, BP7

Blueprint Genetics
Classification: Likely benign. Last evaluated: 2024-04-22. Review status: criteria provided, single submitter. Criteria: ACMG Guidelines, 2015. Collection method: clinical testing. Allele origin: germline.

GeneDx
Classification: Likely benign. Last evaluated: 2021-01-18. Review status: criteria provided, single submitter. Criteria: GeneDx Variant Classification Process June 2021. Collection method: clinical testing. Allele origin: germline. Affected: yes.
Comment: This variant is associated with the following publications: (PMID: 26318963)

Illumina Laboratory Services, Illumina
Classification: Benign for Leukodystrophy, hypomyelinating, 6. Last evaluated: 2018-01-12. Review status: criteria provided, single submitter. Criteria: ICSL Variant Classification Criteria 13 December 2019. Collection method: clinical testing. Allele origin: germline.
Comment: This variant was observed in the ICSL laboratory as part of a predisposition screen in an ostensibly healthy population. It had not been previously curated by ICSL or reported in the Human Gene Mutation Database (HGMD: prior to June 1st, 2018), and was therefore a candidate for classification through an automated scoring system. Utilizing variant allele frequency, disease prevalence and penetrance estimates, and inheritance mode, an automated score was calculated to assess if this variant is too frequent to cause the disease. Based on the score and internal cut-off values, a variant classified as benign is not then subjected to further curation. The score for this variant resulted in a classification of benign for this disease.

Illumina Laboratory Services, Illumina
Classification: Benign for Torsion dystonia 4. Last evaluated: 2018-01-12. Review status: criteria provided, single submitter. Criteria: ICSL Variant Classification Criteria 13 December 2019. Collection method: clinical testing. Allele origin: germline.
Comment: the same text as in the submission from Illumina Laboratory Services, Illumina above.

PreventionGenetics, part of Exact Sciences
Classification: Likely benign for TUBB4A-related condition. Last evaluated: 2019-10-25. Review status: no assertion criteria provided. Collection method: clinical testing. Allele origin: germline. Not counted in ClinVar's aggregate classification.
Comment: This variant is classified as likely benign based on ACMG/AMP sequence variant interpretation guidelines (Richards et al. 2015 PMID: 25741868, with internal and published modifications).

NM_006087.4(TUBB4A):c.1095G>A (p.Ala365=)

Gene: TUBB4A (tubulin beta 4A class IVa; minus strand). Cytogenetic location: 19p13.3.
Variant type: single nucleotide variant.
Coding change: c.1095G>A on transcript NM_006087.4 (MANE Select); coding-DNA position 1095, G replaced by A.
Protein change: p.Ala365=; no amino-acid change (alanine 365 retained).
Molecular consequence: synonymous variant.
Genome position (GRCh38, 1-based): chr19:6,495,404, C>T on the plus strand (G>A on the coding strand, the complement: TUBB4A is on the minus strand). VCF-style: chr19-6495404-C-T. GRCh37 (hg19) VCF-style: chr19-6495415-C-T.
Other names: c.1248G>A, p.Ala416= (NM_001289123.2); c.1230G>A, p.Ala410= (NM_001289127.2); c.1095G>A, p.Ala365= (NM_001289129.2); c.879G>A, p.Ala293= (NM_001289130.2, NM_001289131.2).
Identifiers: ClinVar variation 330261 (VCV000330261.58), dbSNP rs148507956, ClinGen allele CA9127270.
Genomic context (GRCh38, chr19:6,495,404, plus strand): 5'-GAACTGCTCGGAGATGCGCTTGAACAGCTCCTGGATGGCCGTGCTGTTGCCGATGAAGGT[C>T]GCGGCCATCTTCAGGCCGCGGGGCGGGATGTCGCACACGGCCGTCTTCACGTTGTTGGGG-3'
Protein context (NP_006078.2, residues 355-375): DIPPRGLKMA[Ala365=]TFIGNSTAIQ